The following is an entry in ClinVar:

ClinVar aggregate classification (germline): Uncertain significance. Review status: criteria provided, multiple submitters, no conflicts (2 of 4 stars). 2 submissions from 2 submitters: Uncertain significance (2). Last evaluated 2024-06-15.

Conditions:
Fraser syndrome 1 (FRASRS1). Also called: CRYPTOPHTHALMOS WITH OTHER MALFORMATIONS. Identifiers: Orphanet 2052, MedGen C4551480, MONDO:0054737, OMIM 219000.

Submissions (2):

Fulgent Genetics
Classification: Uncertain significance for Fraser syndrome 1. Last evaluated: 2024-06-15. Review status: criteria provided, single submitter. Criteria: ACMG Guidelines, 2015. Collection method: clinical testing. Allele origin: germline.

GeneDx
Classification: Uncertain significance. Last evaluated: 2024-01-12. Review status: criteria provided, single submitter. Criteria: GeneDx Variant Classification Process June 2021. Collection method: clinical testing. Allele origin: germline. Affected: yes.
Comment: Not observed at significant frequency in large population cohorts (gnomAD); In silico analysis supports that this missense variant does not alter protein structure/function; Has not been previously published as pathogenic or benign to our knowledge

NM_025074.7(FRAS1):c.5121A>C (p.Glu1707Asp)

Gene: FRAS1 (Fraser extracellular matrix complex subunit 1; plus strand). Cytogenetic location: 4q21.21.
Variant type: single nucleotide variant.
Coding change: c.5121A>C on transcript NM_025074.7 (MANE Select); coding-DNA position 5121, A replaced by C.
Protein change: p.Glu1707Asp; replaces glutamic acid 1707 with aspartic acid.
Molecular consequence: missense variant.
Genome position (GRCh38, 1-based): chr4:78,432,508, A>C. VCF-style: chr4-78432508-A-C. GRCh37 (hg19) VCF-style: chr4-79353662-A-C.
Other names: c.5121A>C, p.Glu1707Asp (NM_001166133.2); short protein forms E1707D.
Identifiers: ClinVar variation 3367795 (VCV003367795.2).
Genomic context (GRCh38, chr4:78,432,508, plus strand): 5'-AGTCACAGATGGCCTCACAGTGACAATGCTGGAGGTGAGAGTAGAGGTGTCCCTGTCAGA[A>C]GACCGAGGGCCTCGACTGGCTGCTGGCTCCTCTCTGAGCATTACTGTTGCCAGTAAAAGC-3'
Protein context (NP_079350.5, residues 1697-1717): LEVRVEVSLS[Glu1707Asp]DRGPRLAAGS